The following is an entry in ClinVar:

NM_001361.5(DHODH):c.93G>C (p.Thr31=)

Gene: DHODH (dihydroorotate dehydrogenase (quinone); plus strand). Cytogenetic location: 16q22.2.
Variant type: single nucleotide variant.
Coding change: c.93G>C on transcript NM_001361.5 (MANE Select); coding-DNA position 93, G replaced by C.
Protein change: p.Thr31=; no amino-acid change (threonine 31 retained).
Molecular consequence: synonymous variant.
Genome position (GRCh38, 1-based): chr16:72,012,121, G>C. VCF-style: chr16-72012121-G-C. GRCh37 (hg19) VCF-style: chr16-72046020-G-C.
Identifiers: ClinVar variation 3055724 (VCV003055724.2), dbSNP rs779682949, ClinGen allele CA496309013.
Genomic context (GRCh38, chr16:72,012,121, plus strand): 5'-GGATGCTGTGATCATCCTGGGGGGAGGAGGACTTCTCTTCGCCTCCTACCTGATGGCCAC[G>C]GGAGATGAGCGTTTCTATGCTGAACACCTGATGCCGACTCTGCAGGGGCTGCTGGACCCG-3'
Protein context (NP_001352.2, residues 21-41): GLLFASYLMA[Thr31=]GDERFYAEHL

ClinVar aggregate classification (germline): Likely benign (0 of 4 stars; one submission).

Conditions:
DHODH-related disorder. Also called: DHODH-related condition.

Submission:

PreventionGenetics, part of Exact Sciences
Classification: Likely benign for DHODH-related condition. Last evaluated: 2023-09-27. Review status: no assertion criteria provided. Collection method: clinical testing. Allele origin: germline.
Comment: This variant is classified as likely benign based on ACMG/AMP sequence variant interpretation guidelines (Richards et al. 2015 PMID: 25741868, with internal and published modifications).